The following is an entry in ClinVar:

NM_001243226.3(TCF4):c.165C>T (p.Cys55=)

Gene: TCF4 (transcription factor 4; minus strand). Cytogenetic location: 18q21.2.
Variant type: single nucleotide variant.
Coding change: c.165C>T on transcript NM_001243226.3; coding-DNA position 165, C replaced by T.
Protein change: p.Cys55=; no amino-acid change (cysteine 55 retained).
Molecular consequence: synonymous variant.
Genome position (GRCh38, 1-based): chr18:55,635,733, G>A on the plus strand (C>T on the coding strand, the complement: TCF4 is on the minus strand). VCF-style: chr18-55635733-G-A. GRCh37 (hg19) VCF-style: chr18-53302964-G-A.
Identifiers: ClinVar variation 1690830 (VCV001690830.2), dbSNP rs951064935, ClinGen allele CA301187260.

ClinVar aggregate classification (germline): Uncertain significance (1 of 4 stars; one submission).

gnomAD v4.1: 1 of 1,550,494 alleles (0.000064%); highest among the groups gnomAD compares: Non-Finnish European, 0.000087%; no homozygotes.

Submission:

Laboratorio de Genetica e Diagnostico Molecular, Hospital Israelita Albert Einstein
Classification: Uncertain significance. Last evaluated: 2020-03-16. Review status: criteria provided, single submitter. Criteria: ACMG Guidelines, 2015. Collection method: clinical testing. Allele origin: germline. Affected: yes.
Comment: ACMG classification criteria: PM2, BP4